The following is an entry in ClinVar:

ClinVar aggregate classification (germline): Uncertain significance (1 of 4 stars; one submission).

Allele frequency attached by ClinVar (database versions not stated): ExAC 0.00001; gnomAD 0.00001; TOPMed 0.00002.
gnomAD v4.1: 21 of 1,613,798 alleles (0.0013%); highest among the groups gnomAD compares: East Asian, 0.0089%; no homozygotes.

Submission:

Labcorp Genetics (formerly Invitae), Labcorp
Classification: Uncertain significance. Last evaluated: 2025-10-22. Review status: criteria provided, single submitter. Criteria: Invitae Variant Classification Sherloc (09022015). Collection method: clinical testing. Allele origin: germline.
Comment: This sequence change replaces arginine, which is basic and polar, with tryptophan, which is neutral and slightly polar, at codon 843 of the CCDC88C protein (p.Arg843Trp). This variant is present in population databases (rs764128262, gnomAD 0.02%). This variant has not been reported in the literature in individuals affected with CCDC88C-related conditions. ClinVar contains an entry for this variant (Variation ID: 2202053). An algorithm developed to predict the effect of missense changes on protein structure and function (PolyPhen-2) suggests that this variant is likely to be disruptive. In summary, the available evidence is currently insufficient to determine the role of this variant in disease. Therefore, it has been classified as a Variant of Uncertain Significance.

NM_001080414.4(CCDC88C):c.2527C>T (p.Arg843Trp)

Gene: CCDC88C (coiled-coil and HOOK domain protein 88C; minus strand). Cytogenetic location: 14q32.11.
Variant type: single nucleotide variant.
Coding change: c.2527C>T on transcript NM_001080414.4 (MANE Select); coding-DNA position 2527, C replaced by T.
Protein change: p.Arg843Trp; replaces arginine 843 with tryptophan.
Molecular consequence: missense variant.
Genome position (GRCh38, 1-based): chr14:91,313,289, G>A on the plus strand (C>T on the coding strand, the complement: CCDC88C is on the minus strand). VCF-style: chr14-91313289-G-A. GRCh37 (hg19) VCF-style: chr14-91779633-G-A.
Other names: short protein forms R843W.
Identifiers: ClinVar variation 2202053 (VCV002202053.3), dbSNP rs764128262, ClinGen allele CA7309627.
Genomic context (GRCh38, chr14:91,313,289, plus strand): 5'-ACAGTTTGGCAGTGCTATCGTCCAAGACTGCATCCTTGAGCTCCACCTGCTGCCACAGCC[G>A]CTTGGCCTCCTTCTCCAGCAGCTTCTTATCCTTCTCGAGCTGGGCCACCTCCTGCTCCAG-3'
Protein context (NP_001073883.2, residues 833-853): DKKLLEKEAK[Arg843Trp]LWQQVELKDA